The following is an entry in ClinVar:

ClinVar aggregate classification (germline): Likely benign. Review status: criteria provided, multiple submitters, no conflicts (2 of 4 stars). 3 submissions from 3 submitters: Likely benign (3). Last evaluated 2026-03-01.

Allele frequency attached by ClinVar (database versions not stated): ExAC 0.00027; gnomAD 0.00027; TOPMed 0.00029; ESP Exome Variant Server 0.00040; gnomAD exomes 0.00065.
gnomAD v4.1: 963 of 1,612,656 alleles (0.06%); highest among the groups gnomAD compares: Non-Finnish European, 0.08%; 1 homozygote.

Submissions (3):

CeGaT Center for Human Genetics Tuebingen
Classification: Likely benign. Last evaluated: 2026-03-01. Review status: criteria provided, single submitter. Criteria: CeGaT Center For Human Genetics Tuebingen Variant Classification Criteria Version 2. Collection method: clinical testing. Allele origin: germline. Affected: yes. Observed: 2 variant alleles.
Comment: ROBO1: BP4, BP7

Labcorp Genetics (formerly Invitae), Labcorp
Classification: Likely benign. Last evaluated: 2025-12-21. Review status: criteria provided, single submitter. Criteria: Invitae Variant Classification Sherloc (09022015). Collection method: clinical testing. Allele origin: germline.

Blueprint Genetics
Classification: Likely benign. Last evaluated: 2024-08-30. Review status: criteria provided, single submitter. Criteria: ACMG Guidelines, 2015. Collection method: clinical testing. Allele origin: germline.

NM_002941.4(ROBO1):c.3651C>T (p.Pro1217=)

Gene: ROBO1 (roundabout guidance receptor 1; minus strand). Cytogenetic location: 3p12.3.
Variant type: single nucleotide variant.
Coding change: c.3651C>T on transcript NM_002941.4 (MANE Select); coding-DNA position 3651, C replaced by T.
Protein change: p.Pro1217=; no amino-acid change (proline 1217 retained).
Molecular consequence: synonymous variant.
Genome position (GRCh38, 1-based): chr3:78,627,545, G>A on the plus strand (C>T on the coding strand, the complement: ROBO1 is on the minus strand). VCF-style: chr3-78627545-G-A. GRCh37 (hg19) VCF-style: chr3-78676695-G-A.
Other names: c.3516C>T, p.Pro1172= (NM_001145844.1, NM_133631.4); c.3351C>T, p.Pro1117= (NM_001145845.2).
Identifiers: ClinVar variation 2048225 (VCV002048225.29), dbSNP rs372636852, ClinGen allele CA2498295.